The following is an entry in ClinVar:

NM_001040108.2(MLH3):c.2693A>C (p.Glu898Ala)

Gene: MLH3 (mutL homolog 3; minus strand). Cytogenetic location: 14q24.3.
Variant type: single nucleotide variant.
Coding change: c.2693A>C on transcript NM_001040108.2 (MANE Select); coding-DNA position 2693, A replaced by C.
Protein change: p.Glu898Ala; replaces glutamic acid 898 with alanine.
Molecular consequence: missense variant.
Genome position (GRCh38, 1-based): chr14:75,046,963, T>G on the plus strand (A>C on the coding strand, the complement: MLH3 is on the minus strand). VCF-style: chr14-75046963-T-G. GRCh37 (hg19) VCF-style: chr14-75513666-T-G.
Other names: c.2693A>C, p.Glu898Ala (NM_014381.3); short protein forms E898A.
Identifiers: ClinVar variation 2624065 (VCV002624065.3), dbSNP rs991286937, ClinGen allele CA263648071.

ClinVar aggregate classification (germline): Uncertain significance (1 of 4 stars; one submission).

Allele frequency attached by ClinVar (database versions not stated): gnomAD exomes below 0.00001; gnomAD 0.00001; TOPMed 0.00002.

Submission:

Ambry Genetics
Classification: Uncertain significance. Last evaluated: 2025-08-20. Review status: criteria provided, single submitter. Criteria: Ambry Variant Classification Scheme 2023. Collection method: clinical testing. Allele origin: germline.
Comment: The p.E898A variant (also known as c.2693A>C), located in coding exon 1 of the MLH3 gene, results from an A to C substitution at nucleotide position 2693. The glutamic acid at codon 898 is replaced by alanine, an amino acid with dissimilar properties. This amino acid position is well conserved in available vertebrate species. In addition, this alteration is predicted to be tolerated by in silico analysis. Since supporting evidence is limited at this time, the clinical significance of this alteration remains unclear.